The following is an entry in ClinVar:

NM_007118.4(TRIO):c.1254G>C (p.Gln418His)

Gene: TRIO (trio Rho guanine nucleotide exchange factor; plus strand). Cytogenetic location: 5p15.2.
Variant type: single nucleotide variant.
Coding change: c.1254G>C on transcript NM_007118.4 (MANE Select); coding-DNA position 1254, G replaced by C.
Protein change: p.Gln418His; replaces glutamine 418 with histidine.
Molecular consequence: missense variant. On other transcripts: non-coding transcript variant (1).
Genome position (GRCh38, 1-based): chr5:14,297,149, G>C. VCF-style: chr5-14297149-G-C. GRCh37 (hg19) VCF-style: chr5-14297258-G-C.
Other names: short protein forms Q418H.
Identifiers: ClinVar variation 3349838 (VCV003349838.1).

ClinVar aggregate classification (germline): Uncertain significance (0 of 4 stars; one submission).

Conditions:
TRIO-related disorder. Also called: TRIO-related condition; TRIO-related disorders.

gnomAD v4.1: 2 of 1,614,204 alleles (0.00012%); highest among the groups gnomAD compares: Admixed American, 0.0033%; no homozygotes.

Submission:

PreventionGenetics, part of Exact Sciences
Classification: Uncertain significance for TRIO-related condition. Last evaluated: 2024-03-22. Review status: no assertion criteria provided. Collection method: clinical testing. Allele origin: germline.
Comment: The TRIO c.1254G>C variant is predicted to result in the amino acid substitution p.Gln418His. To our knowledge, this variant has not been reported in the literature. This variant is reported in 0.0029% of alleles in individuals of Latino descent in gnomAD. At this time, the clinical significance of this variant is uncertain due to the absence of conclusive functional and genetic evidence.